The following is an entry in ClinVar:

ClinVar aggregate classification (germline): Uncertain significance (1 of 4 stars; one submission).

Conditions:
Cutis laxa, X-linked (OHS). Also called: EDS IX; Occipital horn syndrome. Identifiers: Orphanet 198, MedGen C0268353, MONDO:0010572, OMIM 304150.
X-linked distal spinal muscular atrophy type 3. Also called: SPINAL MUSCULAR ATROPHY, DISTAL, X-LINKED RECESSIVE; ATP7A-Related Distal Motor Neuropathy; NEURONOPATHY, DISTAL HEREDITARY MOTOR, X-LINKED; NEUROPATHY, DISTAL HEREDITARY MOTOR, X-LINKED. Identifiers: Orphanet 139557, MedGen C1845359, MONDO:0010338, OMIM 300489.
Menkes kinky-hair syndrome (MNK). Also called: Copper transport disease; Classic Menkes Disease; Menkes Disease. Identifiers: Orphanet 565, MedGen C0022716, MONDO:0010651, OMIM 309400.

Submission:

Labcorp Genetics (formerly Invitae), Labcorp
Classification: Uncertain significance for X-linked distal spinal muscular atrophy type 3; Cutis laxa, X-linked; Menkes kinky-hair syndrome. Last evaluated: 2023-09-25. Review status: criteria provided, single submitter. Criteria: Invitae Variant Classification Sherloc (09022015). Collection method: clinical testing. Allele origin: germline.
Comment: This sequence change replaces valine, which is neutral and non-polar, with isoleucine, which is neutral and non-polar, at codon 948 of the ATP7A protein (p.Val948Ile). This variant is not present in population databases (gnomAD no frequency). This variant has not been reported in the literature in individuals affected with ATP7A-related conditions. ClinVar contains an entry for this variant (Variation ID: 1356800). Advanced modeling of protein sequence and biophysical properties (such as structural, functional, and spatial information, amino acid conservation, physicochemical variation, residue mobility, and thermodynamic stability) performed at Invitae indicates that this missense variant is not expected to disrupt ATP7A protein function. In summary, the available evidence is currently insufficient to determine the role of this variant in disease. Therefore, it has been classified as a Variant of Uncertain Significance.

NM_000052.7(ATP7A):c.2842G>A (p.Val948Ile)

Gene: ATP7A (ATPase copper transporting alpha; plus strand). Cytogenetic location: Xq21.1.
Variant type: single nucleotide variant.
Coding change: c.2842G>A on transcript NM_000052.7 (MANE Select); coding-DNA position 2842, G replaced by A.
Protein change: p.Val948Ile; replaces valine 948 with isoleucine.
Molecular consequence: missense variant.
Genome position (GRCh38, 1-based): chrX:78,021,005, G>A. VCF-style: chrX-78021005-G-A. GRCh37 (hg19) VCF-style: chrX-77276502-G-A.
Other names: c.2608G>A, p.Val870Ile (NM_001282224.2); short protein forms V870I, V948I.
Identifiers: ClinVar variation 1356800 (VCV001356800.8), dbSNP rs2077902319, ClinGen allele CA413602821.